The following is an entry in ClinVar:

NM_032520.5(GNPTG):c.700C>T (p.Pro234Ser)

Gene: GNPTG (N-acetylglucosamine-1-phosphate transferase subunit gamma; plus strand). Cytogenetic location: 16p13.3.
Variant type: single nucleotide variant.
Coding change: c.700C>T on transcript NM_032520.5 (MANE Select); coding-DNA position 700, C replaced by T.
Protein change: p.Pro234Ser; replaces proline 234 with serine.
Molecular consequence: missense variant.
Genome position (GRCh38, 1-based): chr16:1,362,701, C>T. VCF-style: chr16-1362701-C-T. GRCh37 (hg19) VCF-style: chr16-1412702-C-T.
Other names: short protein forms P234S.
Identifiers: ClinVar variation 1519901 (VCV001519901.8), dbSNP rs775816256, ClinGen allele CA394188561.

ClinVar aggregate classification (germline): Uncertain significance (1 of 4 stars; one submission).

Submission:

Labcorp Genetics (formerly Invitae), Labcorp
Classification: Uncertain significance. Last evaluated: 2021-03-26. Review status: criteria provided, single submitter. Criteria: Invitae Variant Classification Sherloc (09022015). Collection method: clinical testing. Allele origin: germline.
Comment: This sequence change replaces proline with serine at codon 234 of the GNPTG protein (p.Pro234Ser). The proline residue is weakly conserved and there is a moderate physicochemical difference between proline and serine. In summary, the available evidence is currently insufficient to determine the role of this variant in disease. Therefore, it has been classified as a Variant of Uncertain Significance. Algorithms developed to predict the effect of missense changes on protein structure and function output the following: SIFT: "Tolerated"; PolyPhen-2: "Benign"; Align-GVGD: "Class C0". The serine amino acid residue is found in multiple mammalian species, suggesting that this missense change does not adversely affect protein function. These predictions have not been confirmed by published functional studies and their clinical significance is uncertain. This variant has not been reported in the literature in individuals with GNPTG-related conditions. This variant is not present in population databases (ExAC no frequency).